The following is an entry in ClinVar:

NM_153026.3(PRICKLE1):c.1779G>T (p.Glu593Asp)

Gene: PRICKLE1 (prickle planar cell polarity protein 1; minus strand). Cytogenetic location: 12q12.
Variant type: single nucleotide variant.
Coding change: c.1779G>T on transcript NM_153026.3 (MANE Select); coding-DNA position 1779, G replaced by T.
Protein change: p.Glu593Asp; replaces glutamic acid 593 with aspartic acid.
Molecular consequence: missense variant.
Genome position (GRCh38, 1-based): chr12:42,460,526, C>A on the plus strand (G>T on the coding strand, the complement: PRICKLE1 is on the minus strand). VCF-style: chr12-42460526-C-A. GRCh37 (hg19) VCF-style: chr12-42854328-C-A.
Other names: c.1779G>T, p.Glu593Asp (NM_001144881.2, NM_001144882.2, NM_001144883.2); short protein forms E593D.
Identifiers: ClinVar variation 1355845 (VCV001355845.6), dbSNP rs890912439, ClinGen allele CA235488772.

ClinVar aggregate classification (germline): Uncertain significance (1 of 4 stars; one submission).

Conditions:
Epilepsy, progressive myoclonic, 1B. Also called: PME. Identifiers: Orphanet 308, MedGen C2676254, MONDO:0012904, OMIM 612437.

Allele frequency attached by ClinVar (database versions not stated): gnomAD exomes below 0.00001; gnomAD 0.00001 and 0.00002; TOPMed 0.00002.
gnomAD v4.1: 4 of 1,613,986 alleles (0.00025%); highest among the groups gnomAD compares: African/African-American, 0.0053%; no homozygotes.

Submission:

Labcorp Genetics (formerly Invitae), Labcorp
Classification: Uncertain significance for Epilepsy, progressive myoclonic, 1B. Last evaluated: 2023-08-10. Review status: criteria provided, single submitter. Criteria: Invitae Variant Classification Sherloc (09022015). Collection method: clinical testing. Allele origin: germline.
Comment: In summary, the available evidence is currently insufficient to determine the role of this variant in disease. Therefore, it has been classified as a Variant of Uncertain Significance. This sequence change replaces glutamic acid, which is acidic and polar, with aspartic acid, which is acidic and polar, at codon 593 of the PRICKLE1 protein (p.Glu593Asp). This variant is not present in population databases (gnomAD no frequency). This variant has not been reported in the literature in individuals affected with PRICKLE1-related conditions. ClinVar contains an entry for this variant (Variation ID: 1355845). Advanced modeling of protein sequence and biophysical properties (such as structural, functional, and spatial information, amino acid conservation, physicochemical variation, residue mobility, and thermodynamic stability) performed at Invitae indicates that this missense variant is not expected to disrupt PRICKLE1 protein function.